The following is an entry in ClinVar:

ClinVar aggregate classification (germline): Uncertain significance. Review status: criteria provided, multiple submitters, no conflicts (2 of 4 stars). 6 submissions from 6 submitters: Uncertain significance (6). Last evaluated 2026-08-06.

Conditions:
APC-related disorder. Also called: APC-related condition.
Hereditary cancer-predisposing syndrome. Also called: Neoplastic Syndromes, Hereditary; Hereditary Cancer Syndrome; Tumor predisposition; Hereditary neoplastic syndrome. Identifiers: Orphanet 140162, MedGen C0027672, MeSH D009386, MONDO:0015356.
Familial adenomatous polyposis 1 (FAP1). Also called: FAMILIAL ADENOMATOUS POLYPOSIS 1, ATTENUATED; POLYPOSIS, ADENOMATOUS INTESTINAL. Identifiers: MedGen C2713442, MONDO:0021056, OMIM 175100. Disease mechanism: loss of function.

Allele frequency attached by ClinVar (database versions not stated): TOPMed 0.00001.

Submissions (6):

PreventionGenetics, part of Exact Sciences
Classification: Uncertain significance for APC-related condition. Last evaluated: 2026-08-06. Review status: criteria provided, single submitter. Criteria: ACMG Guidelines, 2015. Collection method: clinical testing. Allele origin: germline.
Comment: The APC c.835G>T variant is predicted to result in the amino acid substitution p.Gly279Cys. This variant affects the first base of the exon and is predicted to alter splicing based on available splicing prediction software (SpliceAI, Jaganathan et al. 2019. PubMed ID: 30661751). However, the use of computer prediction software is not equivalent to functional evidence. This variant has been reported in an individual with Lynch Syndrome-associated cancer and/or polyps, but without strong evidence of causality (Table S2, Yurgelun et al. 2015. PubMed ID: 25980754). This variant has not been reported in a large population database (gnomAD), indicating this variant is rare. It is interpreted as variant of uncertain significance in ClinVar (Variation ID: 482275). At this time, the clinical significance of this variant is uncertain due to the absence of conclusive functional and genetic evidence.

Labcorp Genetics (formerly Invitae), Labcorp
Classification: Uncertain significance for Familial adenomatous polyposis 1. Last evaluated: 2025-01-19. Review status: criteria provided, single submitter. Criteria: Invitae Variant Classification Sherloc (09022015). Collection method: clinical testing. Allele origin: germline.
Comment: This sequence change replaces glycine, which is neutral and non-polar, with cysteine, which is neutral and slightly polar, at codon 279 of the APC protein (p.Gly279Cys). This variant is not present in population databases (gnomAD no frequency). This missense change has been observed in individual(s) with Lynch syndrome (PMID: 25980754). ClinVar contains an entry for this variant (Variation ID: 482275). An algorithm developed to predict the effect of missense changes on protein structure and function (PolyPhen-2) suggests that this variant is likely to be disruptive. In summary, the available evidence is currently insufficient to determine the role of this variant in disease. Therefore, it has been classified as a Variant of Uncertain Significance.

GeneDx
Classification: Uncertain significance. Last evaluated: 2024-08-07. Review status: criteria provided, single submitter. Criteria: GeneDx Variant Classification Process June 2021. Collection method: clinical testing. Allele origin: germline. Affected: yes.
Comment: Not observed at significant frequency in large population cohorts (gnomAD); In silico analysis indicates that this missense variant does not alter protein structure/function; In silico analysis is inconclusive as to whether the variant alters gene splicing. In the absence of RNA/functional studies, the actual effect of this sequence change is unknown; Observed in individuals with a Lynch Syndrome-associated cancer and/or polyps (PMID: 25980754); This variant is associated with the following publications: (PMID: 25980754)

Ambry Genetics
Classification: Uncertain significance for Hereditary cancer-predisposing syndrome. Last evaluated: 2024-05-09. Review status: criteria provided, single submitter. Criteria: Ambry Variant Classification Scheme 2023. Collection method: clinical testing. Allele origin: germline.
Comment: The p.G279C variant (also known as c.835G>T) is located in coding exon 8 of the APC gene. The glycine at codon 279 is replaced by cysteine, an amino acid with highly dissimilar properties. This change occurs in the first base pair of coding exon 8. This amino acid position is not well conserved in available vertebrate species. In addition, in silico predictors for this gene do not accurately predict pathogenicity. Since supporting evidence is limited at this time, the clinical significance of this alteration remains unclear.

Women's Health and Genetics/Laboratory Corporation of America, LabCorp
Classification: Uncertain significance. Last evaluated: 2023-10-24. Review status: criteria provided, single submitter. Criteria: LabCorp Variant Classification Summary - May 2015. Collection method: clinical testing. Allele origin: germline.
Comment: Variant summary: APC c.835G>T (p.Gly279Cys) results in a non-conservative amino acid change in the encoded protein sequence. Four of five in-silico tools predict a damaging effect of the variant on protein function. Several computational tools predict a significant impact on normal splicing: One predict the variant abolishes a 3' acceptor site. Two predict the variant weakens a 3' acceptor site. One predict the variant no significant impact on splicing. However, these predictions have yet to be confirmed by functional studies. The variant was absent in 250998 control chromosomes. The available data on variant occurrences in the general population are insufficient to allow any conclusion about variant significance. c.835G>T has been reported in the literature in at least one individual affected with Lynch Syndrome without strong evidence of causality (Yurgelun_2015). This report does not provide unequivocal conclusions about association of the variant with Familial Adenomatous Polyposis. To our knowledge, no experimental evidence demonstrating an impact on protein function has been reported. Four submitters have cited clinical-significance assessments for this variant to ClinVar after 2014. All submitters classified the variant as uncertain significance. Based on the evidence outlined above, the variant was classified as uncertain significance.

Quest Diagnostics Nichols Institute San Juan Capistrano
Classification: Uncertain significance. Last evaluated: 2017-12-18. Review status: criteria provided, single submitter. Criteria: Quest Diagnostics criteria. Collection method: clinical testing. Allele origin: germline.

Literature cited by the submitters: PubMed 25980754 (cited by Labcorp Genetics (formerly Invitae), Labcorp and Women's Health and Genetics/Laboratory Corporation of America, LabCorp).

NM_000038.6(APC):c.835G>T (p.Gly279Cys)

Gene: APC (APC regulator of Wnt signaling pathway; plus strand). Cytogenetic location: 5q22.2.
Variant type: single nucleotide variant.
Coding change: c.835G>T on transcript NM_000038.6 (MANE Select); coding-DNA position 835, G replaced by T.
Protein change: p.Gly279Cys; replaces glycine 279 with cysteine.
Molecular consequence: missense variant. On other transcripts: 5 prime UTR variant (1).
Genome position (GRCh38, 1-based): chr5:112,815,495, G>T. VCF-style: chr5-112815495-G-T. GRCh37 (hg19) VCF-style: chr5-112151192-G-T.
Other names: c.835G>T, p.Gly279Cys (NM_001127510.3, NM_001354895.2, NM_001354896.2 and 1 more transcripts); c.781G>T, p.Gly261Cys (NM_001127511.3); c.865G>T, p.Gly289Cys (NM_001354897.2, NM_001354902.2); c.760G>T, p.Gly254Cys (NM_001354898.2, NM_001354904.2); c.751G>T, p.Gly251Cys (NM_001354899.2); c.658G>T, p.Gly220Cys (NM_001354900.2, NM_001354901.2, NM_001354905.2); c.-15G>T (NM_001354906.2); short protein forms G279C, G261C, G254C, G289C, G220C, G251C.
Identifiers: ClinVar variation 482275 (VCV000482275.19), dbSNP rs1554079129, ClinGen allele CA16023156.
Genomic context (GRCh38, chr5:112,815,495, plus strand): 5'-ATGTTATCTGTATTTACCTATAGTCTAAATTATACCATCTATAATGTGCTTAATTTTTAG[G>T]GTTCAACTACACGAATGGACCATGAAACAGCCAGTGTTTTGAGTTCTAGTAGCACACACT-3'
Protein context (NP_000029.2, residues 269-289): INMATSGNGQ[Gly279Cys]STTRMDHETA